The following is an entry in ClinVar:

ClinVar aggregate classification (germline): Uncertain significance. Review status: criteria provided, multiple submitters, no conflicts (2 of 4 stars). 2 submissions from 2 submitters: Uncertain significance (2). Last evaluated 2023-09-13.

Conditions:
Inborn genetic diseases. Identifiers: MedGen C0950123, MeSH D030342.
Charcot-Marie-Tooth disease type 4. Also called: Charcot-Marie-Tooth, Type 4; Charcot-Marie-Tooth disease, type IV. Identifiers: Orphanet 64749, MedGen C4082197, MONDO:0018995.

Allele frequency attached by ClinVar (database versions not stated): gnomAD exomes below 0.00001.
gnomAD v4.1: 3 of 1,613,678 alleles (0.00019%); highest among the groups gnomAD compares: Non-Finnish European, 0.00025%; no homozygotes.

Submissions (2):

Ambry Genetics
Classification: Uncertain significance for Inborn genetic diseases. Last evaluated: 2023-09-13. Review status: criteria provided, single submitter. Criteria: Ambry Variant Classification Scheme 2023. Collection method: clinical testing. Allele origin: germline.

Labcorp Genetics (formerly Invitae), Labcorp
Classification: Uncertain significance for Charcot-Marie-Tooth disease type 4. Last evaluated: 2018-01-14. Review status: criteria provided, single submitter. Criteria: Invitae Variant Classification Sherloc (09022015). Collection method: clinical testing. Allele origin: germline.
Comment: This variant has not been reported in the literature in individuals with SH3TC2-related disease. Algorithms developed to predict the effect of missense changes on protein structure and function do not agree on the potential impact of this missense change (SIFT: "Deleterious"; PolyPhen-2: "Benign"; Align-GVGD: "Class C0"). In summary, the available evidence is currently insufficient to determine the role of this variant in disease. Therefore, it has been classified as a Variant of Uncertain Significance. This sequence change replaces alanine with aspartic acid at codon 34 of the SH3TC2 protein (p.Ala34Asp). The alanine residue is weakly conserved and there is a moderate physicochemical difference between alanine and aspartic acid. This variant is not present in population databases (ExAC no frequency).

NM_024577.4(SH3TC2):c.101C>A (p.Ala34Asp)

Gene: SH3TC2 (SH3 domain and tetratricopeptide repeats 2; minus strand). Cytogenetic location: 5q32.
Variant type: single nucleotide variant.
Coding change: c.101C>A on transcript NM_024577.4 (MANE Select); coding-DNA position 101, C replaced by A.
Protein change: p.Ala34Asp; replaces alanine 34 with aspartic acid.
Molecular consequence: missense variant.
Genome position (GRCh38, 1-based): chr5:149,052,192, G>T on the plus strand (C>A on the coding strand, the complement: SH3TC2 is on the minus strand). VCF-style: chr5-149052192-G-T. GRCh37 (hg19) VCF-style: chr5-148431755-G-T.
Other names: short protein forms A34D.
Identifiers: ClinVar variation 576103 (VCV000576103.10), dbSNP rs1444603403, ClinGen allele CA361681466.